The following is an entry in ClinVar:

NM_000263.4(NAGLU):c.379A>C (p.Asn127His)

Gene: NAGLU (N-acetyl-alpha-glucosaminidase; plus strand). Cytogenetic location: 17q21.2.
Variant type: single nucleotide variant.
Coding change: c.379A>C on transcript NM_000263.4 (MANE Select); coding-DNA position 379, A replaced by C.
Protein change: p.Asn127His; replaces asparagine 127 with histidine.
Molecular consequence: missense variant.
Genome position (GRCh38, 1-based): chr17:42,536,651, A>C. VCF-style: chr17-42536651-A-C. GRCh37 (hg19) VCF-style: chr17-40688669-A-C.
Other names: short protein forms N127H.
Identifiers: ClinVar variation 1431355 (VCV001431355.8), dbSNP rs2143077833, ClinGen allele CA399596440.

ClinVar aggregate classification (germline): Uncertain significance (1 of 4 stars; one submission).

Conditions:
Mucopolysaccharidosis, MPS-III-B (MPS3B). Also called: N-ACETYL-ALPHA-D-GLUCOSAMINIDASE DEFICIENCY; NAGLU DEFICIENCY; SANFILIPPO SYNDROME B; MPS III B; MPS IIIB (Sanfilippo Syndrome Type B); MUCOPOLYSACCHARIDOSIS, TYPE IIIB. Identifiers: Orphanet 79270, MedGen C0086648, MONDO:0009656, OMIM 252920.
Charcot-Marie-Tooth disease axonal type 2V. Also called: CHARCOT-MARIE-TOOTH NEUROPATHY, TYPE 2V; CHARCOT-MARIE-TOOTH DISEASE, AXONAL, AUTOSOMAL DOMINANT, TYPE 2V. Identifiers: Orphanet 447964, MedGen C5569050, MONDO:0014665, OMIM 616491.

Submission:

Labcorp Genetics (formerly Invitae), Labcorp
Classification: Uncertain significance for Charcot-Marie-Tooth disease axonal type 2V; Mucopolysaccharidosis, MPS-III-B. Last evaluated: 2025-07-07. Review status: criteria provided, single submitter. Criteria: Invitae Variant Classification Sherloc (09022015). Collection method: clinical testing. Allele origin: germline.
Comment: This sequence change replaces asparagine, which is neutral and polar, with histidine, which is basic and polar, at codon 127 of the NAGLU protein (p.Asn127His). This variant is not present in population databases (gnomAD no frequency). This variant has not been reported in the literature in individuals affected with NAGLU-related conditions. ClinVar contains an entry for this variant (Variation ID: 1431355). Invitae Evidence Modeling of protein sequence and biophysical properties (such as structural, functional, and spatial information, amino acid conservation, physicochemical variation, residue mobility, and thermodynamic stability) indicates that this missense variant is not expected to disrupt NAGLU protein function with a negative predictive value of 95%. In summary, the available evidence is currently insufficient to determine the role of this variant in disease. Therefore, it has been classified as a Variant of Uncertain Significance.